The following is an entry in ClinVar:

ClinVar aggregate classification (germline): Pathogenic. Review status: criteria provided, multiple submitters, no conflicts (2 of 4 stars). 10 submissions from 10 submitters: Pathogenic (8). 2 of the submissions do not count toward it. Last evaluated 2026-04-29.

Conditions:
TGM1-related disorder. Also called: TGM1-related condition.
Ichthyosis and erythrokeratoderma.
Lamellar ichthyosis. Identifiers: Orphanet 313, MedGen C5848247, MONDO:0017778.
Autosomal recessive congenital ichthyosis 1 (LI1). Also called: COLLODION FETUS; DESQUAMATION OF NEWBORN; ICHTHYOSIS, CONGENITAL, AUTOSOMAL RECESSIVE 1, WITH BATHING SUIT DISTRIBUTION; ICHTHYOSIS, CONGENITAL, AUTOSOMAL RECESSIVE 1, WITH OR WITHOUT BATHING SUIT DISTRIBUTION; ICHTHYOSIS CONGENITA; ICHTHYOSIS CONGENITA II. Identifiers: MedGen C4551630, MONDO:0009441, OMIM 242300.

Allele frequency attached by ClinVar (database versions not stated): gnomAD exomes 0.00001; ExAC 0.00002; gnomAD 0.00002; TOPMed 0.00003.
gnomAD v4.1: 10 of 1,613,482 alleles (0.00062%); highest among the groups gnomAD compares: African/African-American, 0.0067%; no homozygotes.

Submissions (10):

Genetics Laboratory, Great Ormond Street Hospital NHS Foundation Trust, North Thames Genomic Laboratory Hub
Classification: Pathogenic for Ichthyosis and erythrokeratoderma. Last evaluated: 2026-04-29. Review status: criteria provided, single submitter. Criteria: ACGS Best Practice Guidelines for Variant Classification in Rare Disease 2024 v1.2. Collection method: clinical testing. Allele origin: germline. Affected: yes.
Comment: PM2_moderate, PVS1_very-strong, PP1_strong, PM3_moderate

Laboratorio de Genetica e Diagnostico Molecular, Hospital Israelita Albert Einstein
Classification: Pathogenic for Autosomal recessive congenital ichthyosis 1. Last evaluated: 2026-01-30. Review status: criteria provided, single submitter. Criteria: ACMG Guidelines, 2015. Collection method: clinical testing. Allele origin: germline. Affected: yes.
Comment: ACMG classification criteria: PVS1 very strong, PM2 supporting, PM3 strong, PP1 supporting

3billion
Classification: Pathogenic for Autosomal recessive congenital ichthyosis 1. Last evaluated: 2025-12-12. Review status: criteria provided, single submitter. Criteria: ACMG Guidelines, 2015. Collection method: clinical testing. Allele origin: germline. Affected: yes.
Comment: The variant is observed at an extremely low frequency in the gnomAD v4.1.0 dataset (total allele frequency: <0.001%). Predicted Consequence/Location: Stop-gained (nonsense): predicted to result in a loss or disruption of normal protein function through nonsense-mediated decay (NMD) or protein truncation. Multiple pathogenic variants are reported downstream of the variant. The variant has been reported to be in trans with a pathogenic variant as either compound heterozygous or homozygous in at least one similarly affected unrelated individual (3billion dataset). The variant has been reported at least twice as pathogenic with clinical assertions and evidence for the classification (ClinVar ID: VCV000449511 /PMID: 7581379 /3billion dataset). Therefore, this variant is classified as Pathogenic according to the recommendation of ACMG/AMP guideline.

Natera, Inc.
Classification: Pathogenic for Autosomal recessive congenital ichthyosis type 1. Last evaluated: 2025-05-05. Review status: criteria provided, single submitter. Criteria: Natera Variant Classification Schema (03/2026). Collection method: clinical testing. Allele origin: germline.
Comment: The c.232C>T variant in TGM1 is a nonsense variant predicted to introduce a stop codon at amino acid 78. This variant is expected to result in nonsense mediated decay, truncation, or a dysfunctional protein product. This variant is rare in the general population with a frequency below the threshold expected for the associated phenotype(s). This variant has been observed in one or more individuals affected with the associated recessive disease, as either homozygous or compound heterozygous with a second variant (PMID: 30578701). Given the available evidence, this variant is classified as Pathogenic.

GeneDx
Classification: Pathogenic. Last evaluated: 2023-10-12. Review status: criteria provided, single submitter. Criteria: GeneDx Variant Classification Process June 2021. Collection method: clinical testing. Allele origin: germline. Affected: yes.
Comment: Nonsense variant predicted to result in protein truncation or nonsense mediated decay in a gene for which loss of function is a known mechanism of disease; This variant is associated with the following publications: (PMID: 7581379, 23895935)

Labcorp Genetics (formerly Invitae), Labcorp
Classification: Pathogenic. Last evaluated: 2023-05-15. Review status: criteria provided, single submitter. Criteria: Invitae Variant Classification Sherloc (09022015). Collection method: clinical testing. Allele origin: germline.
Comment: For these reasons, this variant has been classified as Pathogenic. ClinVar contains an entry for this variant (Variation ID: 449511). This premature translational stop signal has been observed in individual(s) with lamellar ichthyosis (PMID: 7581379). It has also been observed to segregate with disease in related individuals. This variant is present in population databases (rs760429286, gnomAD 0.007%). This sequence change creates a premature translational stop signal (p.Arg78*) in the TGM1 gene. It is expected to result in an absent or disrupted protein product. Loss-of-function variants in TGM1 are known to be pathogenic (PMID: 18948357, 19241467).

Women's Health and Genetics/Laboratory Corporation of America, LabCorp
Classification: Pathogenic for Lamellar ichthyosis. Last evaluated: 2019-09-25. Review status: criteria provided, single submitter. Criteria: LabCorp Variant Classification Summary - May 2015. Collection method: clinical testing. Allele origin: germline.
Comment: Variant summary: TGM1 c.232C>T (p.Arg78X) results in a premature termination codon, predicted to cause a truncation of the encoded protein or absence of the protein due to nonsense mediated decay. The variant allele was found at a frequency of 1.2e-05 in 250334 control chromosomes. c.232C>T has been reported in the literature in individuals affected with Lamellar ichthyosis, including two affected brothers from the same family (Parmentier_1995, Sugiura_2013). These data indicate that the variant is likely to be associated with disease. To our knowledge, no experimental evidence demonstrating an impact on protein function has been reported. Two clinical diagnostic laboratories have submitted clinical-significance assessments for this variant to ClinVar after 2014 without evidence for independent evaluation. All laboratories classified the variant as pathogenic. Based on the evidence outlined above, the variant was classified as pathogenic.

Genome-Nilou Lab
Classification: Pathogenic for Autosomal recessive congenital ichthyosis 1. Review status: criteria provided, single submitter. Criteria: ACMG Guidelines, 2015. Collection method: clinical testing. Allele origin: germline.

PreventionGenetics, part of Exact Sciences
Classification: Pathogenic for TGM1-related condition. Last evaluated: 2024-02-27. Review status: no assertion criteria provided. Collection method: clinical testing. Allele origin: germline. Not counted in ClinVar's aggregate classification.
Comment: The TGM1 c.232C>T variant is predicted to result in premature protein termination (p.Arg78*). This variant has been reported in the homozygous state in several individuals with ichthyosis (Parmentier et al. 1995. PubMed ID: 7581379; Khan et al. 2023. PubMed ID: 36789964); and, it has been observed to co-segregate with disease in the affected family members (same studies). It has also been reported in the compound heterozygous state in a mildly affected patient along with a second TGM1 missense variant of uncertain significance (Sugiura et al. 2013. PubMed ID: 23895935). This variant is reported in 0.0062% of alleles in individuals of African descent in gnomAD. Nonsense variants in TGM1 are expected to be pathogenic. This variant is interpreted as pathogenic.

Counsyl
Classification: Pathogenic for Autosomal recessive congenital ichthyosis 1. Last evaluated: 2017-02-16. Review status: no assertion criteria provided. Collection method: clinical testing. Allele origin: unknown. Not counted in ClinVar's aggregate classification.

Literature cited by the submitters: PubMed 7581379 (cited by 4 submitters); PubMed 30578701 (cited by Natera, Inc.); PubMed 18948357 (cited by Labcorp Genetics (formerly Invitae), Labcorp); PubMed 19241467 (cited by Labcorp Genetics (formerly Invitae), Labcorp); PubMed 23895935 (cited by Women's Health and Genetics/Laboratory Corporation of America, LabCorp and Counsyl).

NM_000359.3(TGM1):c.232C>T (p.Arg78Ter)

Gene: TGM1 (transglutaminase 1; minus strand). Cytogenetic location: 14q12.
Variant type: single nucleotide variant.
Coding change: c.232C>T on transcript NM_000359.3 (MANE Select); coding-DNA position 232, C replaced by T.
Protein change: p.Arg78Ter; replaces arginine 78 with a stop codon.
Molecular consequence: nonsense.
Genome position (GRCh38, 1-based): chr14:24,262,121, G>A on the plus strand (C>T on the coding strand, the complement: TGM1 is on the minus strand). VCF-style: chr14-24262121-G-A. GRCh37 (hg19) VCF-style: chr14-24731327-G-A.
Other names: short protein forms R78*.
Identifiers: ClinVar variation 449511 (VCV000449511.25), dbSNP rs760429286, ClinGen allele CA7131506.